The following is an entry in ClinVar:

ClinVar aggregate classification (germline): Likely benign. Review status: criteria provided, single submitter (1 of 4 stars). 2 submissions from 2 submitters: Likely benign (1). 1 of the submissions does not count toward it. Last evaluated 2024-09-01.

Conditions:
SLC29A4-related disorder. Also called: SLC29A4-related condition.

Allele frequency attached by ClinVar (database versions not stated): 1000 Genomes Project 0.00060; 1000 Genomes Project 30x 0.00062; gnomAD 0.00284; TOPMed 0.00297; ExAC 0.00343; ESP Exome Variant Server 0.00438; gnomAD exomes 0.00507.
gnomAD v4.1: 7,733 of 1,610,692 alleles (0.48%); highest among the groups gnomAD compares: Non-Finnish European, 0.62%; 25 homozygotes.

Submissions (2):

CeGaT Center for Human Genetics Tuebingen
Classification: Likely benign. Last evaluated: 2024-09-01. Review status: criteria provided, single submitter. Criteria: CeGaT Center For Human Genetics Tuebingen Variant Classification Criteria Version 2. Collection method: clinical testing. Allele origin: germline. Affected: yes. Observed: 1 variant allele.
Comment: SLC29A4: BP4, BP7, BS2

PreventionGenetics, part of Exact Sciences
Classification: Likely benign for SLC29A4-related condition. Last evaluated: 2019-03-01. Review status: no assertion criteria provided. Collection method: clinical testing. Allele origin: germline. Not counted in ClinVar's aggregate classification.
Comment: This variant is classified as likely benign based on ACMG/AMP sequence variant interpretation guidelines (Richards et al. 2015 PMID: 25741868, with internal and published modifications).

NM_153247.4(SLC29A4):c.1200C>T (p.Phe400=)

Gene: SLC29A4 (solute carrier family 29 member 4; plus strand). Cytogenetic location: 7p22.1.
Variant type: single nucleotide variant.
Coding change: c.1200C>T on transcript NM_153247.4 (MANE Select); coding-DNA position 1200, C replaced by T.
Protein change: p.Phe400=; no amino-acid change (phenylalanine 400 retained).
Molecular consequence: synonymous variant.
Genome position (GRCh38, 1-based): chr7:5,299,418, C>T. VCF-style: chr7-5299418-C-T. GRCh37 (hg19) VCF-style: chr7-5339049-C-T.
Other names: c.1200C>T, p.Phe400= (NM_001040661.3); c.1158C>T, p.Phe386= (NM_001300847.3).
Identifiers: ClinVar variation 3041757 (VCV003041757.16), dbSNP rs142638970, ClinGen allele CA4142865.